The following is an entry in ClinVar:

ClinVar aggregate classification (germline): Benign/Likely benign. Review status: criteria provided, multiple submitters, no conflicts (2 of 4 stars). 11 submissions from 10 submitters: Benign (5); Likely benign (4). 2 of the submissions do not count toward it. Last evaluated 2026-01-24.

Conditions:
Supravalvar aortic stenosis (SVAS). Also called: Supravalvar aortic stenosis, Eisenberg type. Identifiers: Orphanet 3193, MedGen C0003499, MONDO:0008504, OMIM 185500, HP:0004381.
Cutis laxa, autosomal dominant 1 (ADCL1). Also called: ELN-Related Cutis Laxa. Identifiers: Orphanet 90348, MedGen C3276539, MONDO:0007411, OMIM 123700. Disease mechanism: Dominant Negative.

Allele frequency attached by ClinVar (database versions not stated): TOPMed 0.00213; ESP Exome Variant Server 0.00284; 1000 Genomes Project 0.00339; 1000 Genomes Project 30x 0.00344.
gnomAD v4.1: 579 of 1,613,340 alleles (0.036%); highest among the groups gnomAD compares: African/African-American, 0.7%; 2 homozygotes.

Submissions (11):

Labcorp Genetics (formerly Invitae), Labcorp
Classification: Benign for Supravalvar aortic stenosis. Last evaluated: 2026-01-24. Review status: criteria provided, single submitter. Criteria: Invitae Variant Classification Sherloc (09022015). Collection method: clinical testing. Allele origin: germline.

Blueprint Genetics
Classification: Likely benign. Last evaluated: 2024-10-24. Review status: criteria provided, single submitter. Criteria: ACMG Guidelines, 2015. Collection method: clinical testing. Allele origin: germline.

Women's Health and Genetics/Laboratory Corporation of America, LabCorp
Classification: Benign. Last evaluated: 2024-06-04. Review status: criteria provided, single submitter. Criteria: LabCorp Variant Classification Summary - May 2015. Collection method: clinical testing. Allele origin: germline.

CeGaT Center for Human Genetics Tuebingen
Classification: Likely benign. Last evaluated: 2023-09-01. Review status: criteria provided, single submitter. Criteria: CeGaT Center For Human Genetics Tuebingen Variant Classification Criteria Version 2. Collection method: clinical testing. Allele origin: germline. Affected: yes. Observed: 1 variant allele.
Comment: ELN: BP4, BP7

GeneDx
Classification: Likely benign. Last evaluated: 2020-11-30. Review status: criteria provided, single submitter. Criteria: GeneDx Variant Classification Process June 2021. Collection method: clinical testing. Allele origin: germline. Affected: yes.

Illumina Laboratory Services, Illumina
Classification: Benign for Cutis laxa, autosomal dominant 1. Last evaluated: 2018-01-12. Review status: criteria provided, single submitter. Criteria: ICSL Variant Classification Criteria 13 December 2019. Collection method: clinical testing. Allele origin: germline.
Comment: This variant was observed in the ICSL laboratory as part of a predisposition screen in an ostensibly healthy population. It had not been previously curated by ICSL or reported in the Human Gene Mutation Database (HGMD: prior to June 1st, 2018), and was therefore a candidate for classification through an automated scoring system. Utilizing variant allele frequency, disease prevalence and penetrance estimates, and inheritance mode, an automated score was calculated to assess if this variant is too frequent to cause the disease. Based on the score and internal cut-off values, a variant classified as benign is not then subjected to further curation. The score for this variant resulted in a classification of benign for this disease.

Illumina Laboratory Services, Illumina
Classification: Benign for Supravalvar aortic stenosis. Last evaluated: 2018-01-12. Review status: criteria provided, single submitter. Criteria: ICSL Variant Classification Criteria 13 December 2019. Collection method: clinical testing. Allele origin: germline.
Comment: the same text as in the submission from Illumina Laboratory Services, Illumina above.

Eurofins Ntd Llc (ga)
Classification: Benign. Last evaluated: 2015-04-02. Review status: criteria provided, single submitter. Criteria: EGL Classification Definitions 2015. Collection method: clinical testing. Allele origin: germline. Observed: 1 variant allele, 1 heterozygote.

Breakthrough Genomics
Classification: Likely benign. Review status: criteria provided, single submitter. Criteria: ACMG Guidelines, 2015. Collection method: not provided. Allele origin: germline. Inheritance: Autosomal dominant inheritance. Affected: yes.

Clinical Genetics DNA and cytogenetics Diagnostics Lab, Erasmus MC, Erasmus Medical Center
Classification: Likely benign. Review status: no assertion criteria provided. Collection method: clinical testing. Allele origin: germline. Affected: yes. Study: VKGL Data-share Consensus. Not counted in ClinVar's aggregate classification.

Genome Diagnostics Laboratory, Amsterdam University Medical Center
Classification: Likely benign. Review status: no assertion criteria provided. Collection method: clinical testing. Allele origin: germline. Affected: yes. Study: VKGL Data-share Consensus. Not counted in ClinVar's aggregate classification.

NM_000501.4(ELN):c.1269C>T (p.Val423=)

Gene: ELN (elastin; plus strand). Cytogenetic location: 7q11.23.
Variant type: single nucleotide variant.
Coding change: c.1269C>T on transcript NM_000501.4 (MANE Select); coding-DNA position 1269, C replaced by T.
Protein change: p.Val423=; no amino-acid change (valine 423 retained).
Molecular consequence: synonymous variant. On other transcripts: intron variant (2).
Genome position (GRCh38, 1-based): chr7:74,056,389, C>T. VCF-style: chr7-74056389-C-T. GRCh37 (hg19) VCF-style: chr7-73470719-C-T.
Other names: c.1269C>T (NM_000501.2); c.1239C>T, p.Val413= (NM_001081752.3, NM_001278917.2); c.1284C>T, p.Val428= (NM_001081753.3, NM_001081754.3); c.1269C>T, p.Val423= (NM_001081755.3, NM_001278912.2, NM_001278915.2 and 1 more transcripts); c.1254C>T, p.Val418= (NM_001278914.2); c.1227C>T, p.Val409= (NM_001278916.2); c.1129+32C>T (NM_001278913.2); c.1105+32C>T (NM_001278918.2).
Identifiers: ClinVar variation 195473 (VCV000195473.51), dbSNP rs61734583, ClinGen allele CA201770.